The following is an entry in ClinVar:

ClinVar aggregate classification (germline): Uncertain significance. Review status: criteria provided, multiple submitters, no conflicts (2 of 4 stars). 2 submissions from 2 submitters: Uncertain significance (2). Last evaluated 2025-02-27.

Conditions:
Autism (AUTS). Also called: Autistic disorder; Autistic disorder of childhood onset. Identifiers: MedGen C0004352, MeSH D001321, MONDO:0005260, OMIM 209850, HP:0000717.
Muscle AMP deaminase deficiency (MMDD). Also called: Myoadenylate deaminase deficiency, myopathy due to; Adenosine monophosphate deaminase 1 deficiency; AMP deaminase 1 deficiency; Adenosine Monophosphate Deaminase 1; ADENOSINE MONOPHOSPHATE DEAMINASE-1 DEFICIENCY, MYOPATHY DUE TO; AMPD1 DEFICIENCY. Identifiers: Orphanet 45, MedGen C3714933, MONDO:0014220, OMIM 615511.

Allele frequency attached by ClinVar (database versions not stated): gnomAD 0.00001; ExAC 0.00002; gnomAD exomes 0.00003.

Submissions (2):

Labcorp Genetics (formerly Invitae), Labcorp
Classification: Uncertain significance for Muscle AMP deaminase deficiency. Last evaluated: 2025-02-27. Review status: criteria provided, single submitter. Criteria: Invitae Variant Classification Sherloc (09022015). Collection method: clinical testing. Allele origin: germline.
Comment: This sequence change replaces aspartic acid, which is acidic and polar, with asparagine, which is neutral and polar, at codon 276 of the AMPD1 protein (p.Asp276Asn). This variant is present in population databases (rs587779379, gnomAD 0.02%). This variant has not been reported in the literature in individuals affected with AMPD1-related conditions. ClinVar contains an entry for this variant (Variation ID: 91882). Invitae Evidence Modeling of protein sequence and biophysical properties (such as structural, functional, and spatial information, amino acid conservation, physicochemical variation, residue mobility, and thermodynamic stability) indicates that this missense variant is not expected to disrupt AMPD1 protein function with a negative predictive value of 80%. In summary, the available evidence is currently insufficient to determine the role of this variant in disease. Therefore, it has been classified as a Variant of Uncertain Significance.

State Key Lab of Medical Genetics, Central South University
Classification: Uncertain significance for Autism. Review status: criteria provided, single submitter. Criteria: Submitter's publication. Collection method: reference population. Allele origin: paternal. Affected: yes.

NM_000036.3(AMPD1):c.727G>A (p.Asp243Asn)

Gene: AMPD1 (adenosine monophosphate deaminase 1; minus strand). Cytogenetic location: 1p13.2.
Variant type: single nucleotide variant.
Coding change: c.727G>A on transcript NM_000036.3 (MANE Select); coding-DNA position 727, G replaced by A.
Protein change: p.Asp243Asn; replaces aspartic acid 243 with asparagine.
Molecular consequence: missense variant.
Genome position (GRCh38, 1-based): chr1:114,680,299, C>T on the plus strand (G>A on the coding strand, the complement: AMPD1 is on the minus strand). VCF-style: chr1-114680299-C-T. GRCh37 (hg19) VCF-style: chr1-115222920-C-T.
Other names: c.715G>A, p.Asp239Asn (NM_001172626.2); short protein forms D276N, D239N, D243N.
Identifiers: ClinVar variation 91882 (VCV000091882.3), dbSNP rs587779379, ClinGen allele CA170701.